The following is an entry in ClinVar:

ClinVar aggregate classification (germline): Pathogenic/Likely pathogenic. Review status: criteria provided, multiple submitters, no conflicts (2 of 4 stars). 3 submissions from 3 submitters: Pathogenic (1); Likely pathogenic (2). Last evaluated 2026-01-19.

Conditions:
Fanconi anemia (FA). Also called: Fanconi's anemia. Identifiers: Orphanet 84, MedGen C0015625, MeSH D005199, MONDO:0019391.
Fanconi anemia complementation group I (FANCI). Also called: FANCI-Related Fanconi Anemia. Identifiers: Orphanet 84, MedGen C1836861, MONDO:0012186, OMIM 609053.

Allele frequency attached by ClinVar (database versions not stated): gnomAD exomes below 0.00001; gnomAD 0.00003.
gnomAD v4.1: 7 of 1,551,182 alleles (0.00045%); highest among the groups gnomAD compares: African/African-American, 0.0055%; no homozygotes.

Submissions (3):

Labcorp Genetics (formerly Invitae), Labcorp
Classification: Pathogenic for Fanconi anemia. Last evaluated: 2026-01-19. Review status: criteria provided, single submitter. Criteria: Invitae Variant Classification Sherloc (09022015). Collection method: clinical testing. Allele origin: germline.
Comment: This sequence change creates a premature translational stop signal (p.Arg879*) in the FANCI gene. It is expected to result in an absent or disrupted protein product. Loss-of-function variants in FANCI are known to be pathogenic (PMID: 17452773, 17460694). This variant is not present in population databases (gnomAD no frequency). This premature translational stop signal has been observed in individual(s) with FANCI-related conditions (PMID: 25877891, 30333958). ClinVar contains an entry for this variant (Variation ID: 2191991). For these reasons, this variant has been classified as Pathogenic.

Fulgent Genetics
Classification: Likely pathogenic for Fanconi anemia complementation group I. Last evaluated: 2024-02-22. Review status: criteria provided, single submitter. Criteria: ACMG Guidelines, 2015. Collection method: clinical testing. Allele origin: germline.

Baylor Genetics
Classification: Likely pathogenic for Fanconi anemia complementation group I. Last evaluated: 2024-02-18. Review status: criteria provided, single submitter. Criteria: ACMG Guidelines, 2015. Collection method: clinical testing. Allele origin: unknown.

Literature cited by the submitters: PubMed 17452773 (cited by Labcorp Genetics (formerly Invitae), Labcorp); PubMed 17460694 (cited by Labcorp Genetics (formerly Invitae), Labcorp); PubMed 25877891 (cited by Labcorp Genetics (formerly Invitae), Labcorp); PubMed 30333958 (cited by Labcorp Genetics (formerly Invitae), Labcorp).

NM_001113378.2(FANCI):c.2635C>T (p.Arg879Ter)

Gene: FANCI (FA complementation group I; plus strand). Cytogenetic location: 15q26.1.
Variant type: single nucleotide variant.
Coding change: c.2635C>T on transcript NM_001113378.2 (MANE Select); coding-DNA position 2635, C replaced by T.
Protein change: p.Arg879Ter; replaces arginine 879 with a stop codon.
Molecular consequence: nonsense. On other transcripts: intron variant (1).
Genome position (GRCh38, 1-based): chr15:89,295,093, C>T. VCF-style: chr15-89295093-C-T. GRCh37 (hg19) VCF-style: chr15-89838324-C-T.
Other names: c.2356C>T, p.Arg786Ter (NM_001376910.1); c.2635C>T, p.Arg879Ter (NM_001376911.1); c.2456+1096C>T (NM_018193.3); short protein forms R786*, R879*.
Identifiers: ClinVar variation 2191991 (VCV002191991.7), dbSNP rs1013628944, ClinGen allele CA274577754.